The following is an entry in ClinVar:

ClinVar aggregate classification (germline): Uncertain significance (1 of 4 stars; one submission).

Conditions:
Long QT syndrome (LQTS). Identifiers: MedGen C0023976, MeSH D008133, MONDO:0002442. Disease mechanism: loss of function. Inheritance: Various modes of inheritance.

gnomAD v4.1: 1 of 1,613,660 alleles (0.000062%); no homozygotes.

Submission:

Labcorp Genetics (formerly Invitae), Labcorp
Classification: Uncertain significance for Long QT syndrome. Last evaluated: 2021-11-24. Review status: criteria provided, single submitter. Criteria: Invitae Variant Classification Sherloc (09022015). Collection method: clinical testing. Allele origin: germline.
Comment: This sequence change replaces glutamic acid, which is acidic and polar, with glycine, which is neutral and non-polar, at codon 1651 of the AKAP9 protein (p.Glu1651Gly). This variant is not present in population databases (gnomAD no frequency). This variant has not been reported in the literature in individuals affected with AKAP9-related conditions. Algorithms developed to predict the effect of missense changes on protein structure and function are either unavailable or do not agree on the potential impact of this missense change (SIFT: "Deleterious"; PolyPhen-2: "Possibly Damaging"; Align-GVGD: "Class C0"). In summary, the available evidence is currently insufficient to determine the role of this variant in disease. Therefore, it has been classified as a Variant of Uncertain Significance.

NM_005751.5(AKAP9):c.4952A>G (p.Glu1651Gly)

Genes: AKAP9 (A-kinase anchoring protein 9; plus strand), LOC121175350 (Sharpr-MPRA regulatory region 2641; plus strand). Cytogenetic location: 7q21.2.
Variant type: single nucleotide variant.
Coding change: c.4952A>G on transcript NM_005751.5 (MANE Select); coding-DNA position 4952, A replaced by G.
Protein change: p.Glu1651Gly; replaces glutamic acid 1651 with glycine.
Molecular consequence: missense variant.
Genome position (GRCh38, 1-based): chr7:92,042,080, A>G. VCF-style: chr7-92042080-A-G. GRCh37 (hg19) VCF-style: chr7-91671394-A-G.
Other names: c.4952A>G, p.Glu1651Gly (NM_147185.3); short protein forms E1651G.
Identifiers: ClinVar variation 1427363 (VCV001427363.6), dbSNP rs2130784355, ClinGen allele CA368129963.